The following is an entry in ClinVar:

ClinVar aggregate classification (germline): Uncertain significance (1 of 4 stars; one submission).

Conditions:
Focal segmental glomerulosclerosis 5 (FSGS5). Identifiers: Orphanet 656, MedGen C2750475, MONDO:0013191, OMIM 613237.
Charcot-Marie-Tooth disease dominant intermediate E. Also called: CHARCOT-MARIE-TOOTH NEUROPATHY WITH FOCAL SEGMENTAL GLOMERULONEPHRITIS. Identifiers: Orphanet 93114, MedGen C4302667, MONDO:0013758, OMIM 614455.

Submission:

Labcorp Genetics (formerly Invitae), Labcorp
Classification: Uncertain significance for Charcot-Marie-Tooth disease dominant intermediate E; Focal segmental glomerulosclerosis 5. Last evaluated: 2025-01-14. Review status: criteria provided, single submitter. Criteria: Invitae Variant Classification Sherloc (09022015). Collection method: clinical testing. Allele origin: germline.
Comment: This variant, c.1371_1376del, results in the deletion of 2 amino acid(s) of the INF2 protein (p.Pro461_Pro462del), but otherwise preserves the integrity of the reading frame. This variant is not present in population databases (gnomAD no frequency). This variant has not been reported in the literature in individuals affected with INF2-related conditions. Experimental studies and prediction algorithms are not available or were not evaluated, and the functional significance of this variant is currently unknown. In summary, the available evidence is currently insufficient to determine the role of this variant in disease. Therefore, it has been classified as a Variant of Uncertain Significance.

NM_022489.4(INF2):c.1371_1376del (p.Pro461_Pro462del)

Gene: INF2 (inverted formin 2; plus strand). Cytogenetic location: 14q32.33.
Variant type: Deletion.
Coding change: c.1371_1376del on transcript NM_022489.4 (MANE Select); coding-DNA positions 1371 to 1376, 6 bases deleted (ACCCCC; older notation c.1371_1376delACCCCC).
Protein change: p.Pro461_Pro462del.
Molecular consequence: inframe deletion. On other transcripts: non-coding transcript variant (1).
Genome position (GRCh38, 1-based): chr14:104,707,638-104,707,643, ACCCCC deleted; deleting any 6 consecutive bases within chr14:104,707,637-104,707,643 gives the same sequence; the c. name uses the placement nearest the transcript's 3' end. VCF-style (leftmost placement, unchanged base first): chr14-104707636-GCACCCC-G. GRCh37 (hg19) VCF-style: chr14-105173973-GCACCCC-G.
Other names: c.1371_1376del, p.Pro461_Pro462del (NM_001031714.4, NM_001426862.1, NM_001426863.1 and 2 more transcripts).
Identifiers: ClinVar variation 3760321 (VCV003760321.2).